The following is an entry in ClinVar:

NM_000178.4(GSS):c.1139_1144del (p.Val380_Gln381del)

Gene: GSS (glutathione synthetase; minus strand). Cytogenetic location: 20q11.22.
Variant type: Deletion.
Coding change: c.1139_1144del on transcript NM_000178.4 (MANE Select); coding-DNA positions 1139 to 1144, 6 bases deleted (TACAGG; older notation c.1139_1144delTACAGG).
Protein change: p.Val380_Gln381del.
Molecular consequence: inframe deletion.
Genome position (GRCh38, 1-based): chr20:34,929,558-34,929,563, CCTGTA deleted on the plus strand (TACAGG on the coding strand, the reverse complement: GSS is on the minus strand); deleting any 6 consecutive bases within chr20:34,929,558-34,929,565 gives the same sequence; the c. name uses the placement nearest the transcript's 3' end. VCF-style (leftmost placement, unchanged base first): chr20-34929557-GCCTGTA-G. GRCh37 (hg19) VCF-style: chr20-33517360-GCCTGTA-G.
Other names: c.1139_1144del, p.Val380_Gln381del (NM_001322494.1, NM_001322495.1); c.1139_1144delTACAGG (NM_000178.4).
Identifiers: ClinVar variation 1163159 (VCV001163159.24), dbSNP rs770455024, ClinGen allele CA9825853.
Genomic context (GRCh38, chr20:34,929,557, plus strand): 5'-TCGATCTTCTCCATGAGGATGTAGGAGGCCCTCTCCTCACTGTCCTTCAGCTGTTTCAGG[GCCTGTA>G]CCATTTCCTCCCCATATAGGTTGTTACCTGCAATGAAACTGGCCAGTCACCCTGGACCCT-3'

ClinVar aggregate classification (germline): Pathogenic/Likely pathogenic. Review status: criteria provided, multiple submitters, no conflicts (2 of 4 stars). 5 submissions from 5 submitters: Pathogenic (1); Likely pathogenic (4). Last evaluated 2025-01-01.

Conditions:
Glutathione synthetase deficiency with 5-oxoprolinuria. Also called: Reduced glutathione synthetase level; Gluthathione synthetase deficiency; 5-OXOPROLINURIA DUE TO GLUTATHIONE SYNTHETASE DEFICIENCY; 5-Oxoprolinuria; PYROGLUTAMIC ACIDURIA. Identifiers: Orphanet 289846, MedGen C0398746, MONDO:0009947, OMIM 266130, HP:0003343.
Glutathione synthetase deficiency without 5-oxoprolinuria. Also called: ANEMIA, CONGENITAL, NONSPHEROCYTIC HEMOLYTIC, 6. Identifiers: Orphanet 289849, Orphanet 32, MedGen C1856399, MONDO:0009284, OMIM 231900.

Submissions (5):

CeGaT Center for Human Genetics Tuebingen
Classification: Likely pathogenic. Last evaluated: 2025-01-01. Review status: criteria provided, single submitter. Criteria: CeGaT Center For Human Genetics Tuebingen Variant Classification Criteria Version 2. Collection method: clinical testing. Allele origin: germline. Affected: yes. Observed: 1 variant allele.
Comment: GSS: PM2, PM3, PM4

Fulgent Genetics
Classification: Likely pathogenic for Glutathione synthetase deficiency without 5-oxoprolinuria; Glutathione synthetase deficiency with 5-oxoprolinuria. Last evaluated: 2024-04-05. Review status: criteria provided, single submitter. Criteria: ACMG Guidelines, 2015. Collection method: clinical testing. Allele origin: germline.

Women's Health and Genetics/Laboratory Corporation of America, LabCorp
Classification: Likely pathogenic for Glutathione synthetase deficiency with 5-oxoprolinuria. Last evaluated: 2024-04-02. Review status: criteria provided, single submitter. Criteria: LabCorp Variant Classification Summary - May 2015. Collection method: clinical testing. Allele origin: germline.
Comment: Variant summary: GSS c.1139_1144delTACAGG (p.Val380_Gln381del) results in an in-frame deletion that is predicted to remove two amino acids from the encoded protein. The variant allele was found at a frequency of 1.2e-05 in 251462 control chromosomes.. c.1139_1144delTACAGG has been reported in the literature in the compound heterozygous state in an individual affected with Glutathione Synthetase Deficiency (e.g. Shi_1996). One publication reports experimental evidence evaluating an impact on protein function and found the variant was non-functional, as determined by a yeast complementation assay, and produced a non-soluble protein product (Shi_1996). The following publications have been ascertained in the context of this evaluation (PMID: 11445798, 8896573). ClinVar contains an entry for this variant (Variation ID: 1163159). Based on the evidence outlined above, the variant was classified as likely pathogenic.

Labcorp Genetics (formerly Invitae), Labcorp
Classification: Likely pathogenic for Glutathione synthetase deficiency with 5-oxoprolinuria. Last evaluated: 2023-12-06. Review status: criteria provided, single submitter. Criteria: Invitae Variant Classification Sherloc (09022015). Collection method: clinical testing. Allele origin: germline.
Comment: This variant, c.1139_1144del, results in the deletion of 2 amino acid(s) of the GSS protein (p.Val380_Gln381del), but otherwise preserves the integrity of the reading frame. This variant is present in population databases (rs770455024, gnomAD 0.02%). This variant has been observed in individual(s) with glutathione synthetase deficiency (PMID: 8896573, 11445798). In at least one individual the data is consistent with being in trans (on the opposite chromosome) from a pathogenic variant. This variant is also known as 1137del6. ClinVar contains an entry for this variant (Variation ID: 1163159). Algorithms developed to predict the effect of variants on protein structure and function are not available or were not evaluated for this variant. Experimental studies have shown that this variant affects GSS function (PMID: 8896573). In summary, the currently available evidence indicates that the variant is pathogenic, but additional data are needed to prove that conclusively. Therefore, this variant has been classified as Likely Pathogenic.

Mayo Clinic Laboratories, Mayo Clinic
Classification: Pathogenic. Last evaluated: 2019-05-09. Review status: criteria provided, single submitter. Criteria: ACMG Guidelines, 2015. Collection method: clinical testing. Allele origin: germline. Observed: 1 variant allele.
Comment: PS3, PM1, PM2, PM4

Literature cited by the submitters: PubMed 8896573 (cited by 3 submitters); PubMed 11445798 (cited by Women's Health and Genetics/Laboratory Corporation of America, LabCorp and Labcorp Genetics (formerly Invitae), Labcorp).